The following is an entry in ClinVar:

NM_001851.6(COL9A1):c.783del (p.Ser262fs)

Gene: COL9A1 (collagen type IX alpha 1 chain; minus strand). Cytogenetic location: 6q13.
Variant type: Deletion.
Coding change: c.783del on transcript NM_001851.6 (MANE Select); coding-DNA position 783, one base deleted (C; older notation c.783delC).
Protein change: p.Ser262fs; shifts the reading frame from serine 262.
Molecular consequence: frameshift variant. On other transcripts: intron variant (3).
Genome position (GRCh38, 1-based): chr6:70,282,916, G deleted on the plus strand (C on the coding strand, the reverse complement: COL9A1 is on the minus strand); the first of 3 consecutive G bases (chr6:70,282,916-70,282,918); deleting any one gives the same sequence. VCF-style (leftmost placement, unchanged base first): chr6-70282915-TG-T. GRCh37 (hg19) VCF-style: chr6-70992618-TG-T.
Other names: c.783del, p.Ser262fs (NM_001377291.1); c.72+65del (NM_001377290.1, NM_078485.4, NM_001377289.1); short protein forms S262fs.
Identifiers: ClinVar variation 1993223 (VCV001993223.4), dbSNP rs2483467270, ClinGen allele CA2580075719.

ClinVar aggregate classification (germline): Pathogenic (1 of 4 stars; one submission).

Submission:

Labcorp Genetics (formerly Invitae), Labcorp
Classification: Pathogenic. Last evaluated: 2024-10-16. Review status: criteria provided, single submitter. Criteria: Invitae Variant Classification Sherloc (09022015). Collection method: clinical testing. Allele origin: germline.
Comment: This sequence change creates a premature translational stop signal (p.Ser262Alafs*66) in the COL9A1 gene. It is expected to result in an absent or disrupted protein product. Loss-of-function variants in COL9A1 are known to be pathogenic (PMID: 16909383, 21421862). This variant is not present in population databases (gnomAD no frequency). This variant has not been reported in the literature in individuals affected with COL9A1-related conditions. ClinVar contains an entry for this variant (Variation ID: 1993223). For these reasons, this variant has been classified as Pathogenic.

Literature cited by the submitters: PubMed 16909383; PubMed 21421862.